The following is an entry in ClinVar:

NM_130837.3(OPA1):c.217C>A (p.Leu73Met)

Gene: OPA1 (OPA1 mitochondrial dynamin like GTPase; plus strand). Cytogenetic location: 3q29.
Variant type: single nucleotide variant.
Coding change: c.217C>A on transcript NM_130837.3 (MANE Select); coding-DNA position 217, C replaced by A.
Protein change: p.Leu73Met; replaces leucine 73 with methionine.
Molecular consequence: missense variant. On other transcripts: 5 prime UTR variant (2).
Genome position (GRCh38, 1-based): chr3:193,614,907, C>A. VCF-style: chr3-193614907-C-A. GRCh37 (hg19) VCF-style: chr3-193332696-C-A.
Other names: c.-156C>A (NM_001354663.2, NM_001354664.2); c.217C>A, p.Leu73Met (NM_015560.3, NM_130831.3, NM_130832.3 and 4 more transcripts); short protein forms L73M.
Identifiers: ClinVar variation 3695225 (VCV003695225.3).

ClinVar aggregate classification (germline): Uncertain significance. Review status: criteria provided, multiple submitters, no conflicts (2 of 4 stars). 2 submissions from 2 submitters: Uncertain significance (2). Last evaluated 2024-06-30.

gnomAD v4.1: 3 of 1,613,860 alleles (0.00019%); highest among the groups gnomAD compares: Non-Finnish European, 0.00025%; no homozygotes.

Submissions (2):

Labcorp Genetics (formerly Invitae), Labcorp
Classification: Uncertain significance. Last evaluated: 2024-06-30. Review status: criteria provided, single submitter. Criteria: Invitae Variant Classification Sherloc (09022015). Collection method: clinical testing. Allele origin: germline.
Comment: This sequence change replaces leucine, which is neutral and non-polar, with methionine, which is neutral and non-polar, at codon 73 of the OPA1 protein (p.Leu73Met). This variant is not present in population databases (gnomAD no frequency). This variant has not been reported in the literature in individuals affected with OPA1-related conditions. Advanced modeling of protein sequence and biophysical properties (such as structural, functional, and spatial information, amino acid conservation, physicochemical variation, residue mobility, and thermodynamic stability) performed at Invitae indicates that this missense variant is not expected to disrupt OPA1 protein function with a negative predictive value of 80%. In summary, the available evidence is currently insufficient to determine the role of this variant in disease. Therefore, it has been classified as a Variant of Uncertain Significance.

Blueprint Genetics
Classification: Uncertain significance. Last evaluated: 2020-03-16. Review status: criteria provided, single submitter. Criteria: ACMG Guidelines, 2015. Collection method: clinical testing. Allele origin: germline.